The following is an entry in ClinVar:

ClinVar aggregate classification (germline): Uncertain significance (0 of 4 stars; one submission).

Conditions:
ATP8B1-related disorder. Also called: ATP8B1-related condition; ATP8B1-related disorders.

Submission:

PreventionGenetics, part of Exact Sciences
Classification: Uncertain significance for ATP8B1-related condition. Last evaluated: 2024-09-02. Review status: no assertion criteria provided. Collection method: clinical testing. Allele origin: germline.
Comment: The ATP8B1 c.3403A>C variant is predicted to result in the amino acid substitution p.Thr1135Pro. To our knowledge, this variant has not been reported in the literature or in a large population database, indicating this variant is rare. At this time, the clinical significance of this variant is uncertain due to the absence of conclusive functional and genetic evidence.

NM_001374385.1(ATP8B1):c.3403A>C (p.Thr1135Pro)

Genes: ATP8B1 (ATPase phospholipid transporting 8B1; minus strand), ATP8B1-AS1 (ATP8B1 antisense RNA 1; plus strand). Cytogenetic location: 18q21.31.
Variant type: single nucleotide variant.
Coding change: c.3403A>C on transcript NM_001374385.1 (MANE Select); coding-DNA position 3403, A replaced by C.
Protein change: p.Thr1135Pro; replaces threonine 1135 with proline.
Molecular consequence: missense variant.
Genome position (GRCh38, 1-based): chr18:57,650,495, T>G on the plus strand (A>C on the coding strand, the complement: ATP8B1 is on the minus strand). VCF-style: chr18-57650495-T-G. GRCh37 (hg19) VCF-style: chr18-55317727-T-G.
Other names: c.3253A>C, p.Thr1085Pro (NM_001374386.1); c.3403A>C, p.Thr1135Pro (NM_005603.6); short protein forms T1085P, T1135P.
Identifiers: ClinVar variation 3346113 (VCV003346113.1).